The following is an entry in ClinVar:

ClinVar aggregate classification (germline): Likely benign (1 of 4 stars; one submission).

Submission:

Women's Health and Genetics/Laboratory Corporation of America, LabCorp
Classification: Likely benign. Last evaluated: 2025-05-14. Review status: criteria provided, single submitter. Criteria: LabCorp Variant Classification Summary - May 2015. Collection method: clinical testing. Allele origin: germline.
Comment: Variant summary: The variant involves the duplication of exons 1-12 in the RAF1 gene. A presumed nomenclature of c.(?_-332)_(1370+1_1371-1)dup has been designated for the purposes of this classification. The exact breakpoint at the 5' end of this variant is unknown, therefore this duplication may extend upstream of the annotated region of this gene. It is predicted to duplicate a segment including the initiation codon, therefore its impact on the encoded protein is unknown. A large duplication variant (size: ~160 kbp) which covers exons 1-12 of the RAF1 gene (and extends further upstream also affecting the TMEM40 gene) was found at a frequency of 0.00069 in 441879 control chromosomes. The observed variant frequency is approximately 28 fold of the estimated maximal expected allele frequency for a pathogenic variant in RAF1 causing Noonan Syndrome And Related Conditions phenotype (2.5e-05). To our knowledge, duplications of exons 1-12 confined to the RAF1 gene have not been reported in the literature in individuals affected with Noonan Syndrome And Related Conditions. Larger duplications, including exons 1-12 in the RAF1 gene together with a large upstream DNA region (also affecting the TMEM40 gene), have been reported in individuals with various phenotypes, however without strong evidence for causality (e.g. Rodriguez_2017, Ceyhan-Birsoy_2018). To our knowledge, no experimental evidence demonstrating an impact on protein function has been reported. The following publications have been ascertained in the context of this evaluation (PMIDs: 28914499, 29696744). No submitters have cited clinical-significance assessments for this variant to ClinVar. Based on the evidence outlined above, the variant was classified as likely benign.

Literature cited by the submitters: PubMed 29696744; PubMed 28914499.

NC_000003.11:g.(12629137_12632296)_(12705617_?)dup

Gene: RAF1 (Raf-1 proto-oncogene, serine/threonine kinase; minus strand). Cytogenetic location: 3p25.2.
Variant type: Duplication.
Identifiers: ClinVar variation 3233867 (VCV003233867.3).